The following is an entry in ClinVar:

NM_000051.4(ATM):c.2765A>T (p.Asp922Val)

Gene: ATM (ATM serine/threonine kinase; plus strand). Cytogenetic location: 11q22.3.
Variant type: single nucleotide variant.
Coding change: c.2765A>T on transcript NM_000051.4 (MANE Select); coding-DNA position 2765, A replaced by T.
Protein change: p.Asp922Val; replaces aspartic acid 922 with valine.
Molecular consequence: missense variant.
Genome position (GRCh38, 1-based): chr11:108,268,536, A>T. VCF-style: chr11-108268536-A-T. GRCh37 (hg19) VCF-style: chr11-108139263-A-T.
Other names: c.2765A>T, p.Asp922Val (NM_001351834.2); short protein forms D922V.
Identifiers: ClinVar variation 524336 (VCV000524336.10), dbSNP rs1555083339, ClinGen allele CA382545493.

ClinVar aggregate classification (germline): Uncertain significance. Review status: criteria provided, multiple submitters, no conflicts (2 of 4 stars). 2 submissions from 2 submitters: Uncertain significance (2). Last evaluated 2025-03-19.

Conditions:
Hereditary cancer-predisposing syndrome. Also called: Neoplastic Syndromes, Hereditary; Tumor predisposition; Hereditary Cancer Syndrome; Hereditary neoplastic syndrome. Identifiers: Orphanet 140162, MedGen C0027672, MeSH D009386, MONDO:0015356.
Ataxia-telangiectasia syndrome (AT). Also called: ATAXIA-TELANGIECTASIA, COMPLEMENTATION GROUP A; ATAXIA-TELANGIECTASIA, FRESNO VARIANT; Ataxia-telangiectasia; Ataxia-telangiectasia, complementation group D; AT, COMPLEMENTATION GROUP C; Ataxia-telangiectasia, complementation group E. Identifiers: Orphanet 100, MedGen C0004135, MONDO:0008840, OMIM 208900.

Submissions (2):

Labcorp Genetics (formerly Invitae), Labcorp
Classification: Uncertain significance for Ataxia-telangiectasia syndrome. Last evaluated: 2025-03-19. Review status: criteria provided, single submitter. Criteria: Invitae Variant Classification Sherloc (09022015). Collection method: clinical testing. Allele origin: germline.
Comment: This sequence change replaces aspartic acid, which is acidic and polar, with valine, which is neutral and non-polar, at codon 922 of the ATM protein (p.Asp922Val). This variant is not present in population databases (gnomAD no frequency). This variant has not been reported in the literature in individuals affected with ATM-related conditions. ClinVar contains an entry for this variant (Variation ID: 524336). Invitae Evidence Modeling of protein sequence and biophysical properties (such as structural, functional, and spatial information, amino acid conservation, physicochemical variation, residue mobility, and thermodynamic stability) has been performed for this missense variant. However, the output from this modeling did not meet the statistical confidence thresholds required to predict the impact of this variant on ATM protein function. In summary, the available evidence is currently insufficient to determine the role of this variant in disease. Therefore, it has been classified as a Variant of Uncertain Significance.

Ambry Genetics
Classification: Uncertain significance for Hereditary cancer-predisposing syndrome. Last evaluated: 2021-03-02. Review status: criteria provided, single submitter. Criteria: Ambry Variant Classification Scheme 2023. Collection method: clinical testing. Allele origin: germline.
Comment: The p.D922V variant (also known as c.2765A>T), located in coding exon 17 of the ATM gene, results from an A to T substitution at nucleotide position 2765. The aspartic acid at codon 922 is replaced by valine, an amino acid with highly dissimilar properties. This amino acid position is highly conserved in available vertebrate species. In addition, this alteration is predicted to be deleterious by in silico analysis. Since supporting evidence is limited at this time, the clinical significance of this alteration remains unclear.